The following is an entry in ClinVar:

ClinVar aggregate classification (germline): Uncertain significance. Review status: criteria provided, multiple submitters, no conflicts (2 of 4 stars). 2 submissions from 2 submitters: Uncertain significance (2). Last evaluated 2023-12-03.

Allele frequency attached by ClinVar (database versions not stated): gnomAD 0.00001; TOPMed 0.00001; ExAC 0.00004; gnomAD exomes 0.00008.

Submissions (2):

Labcorp Genetics (formerly Invitae), Labcorp
Classification: Uncertain significance. Last evaluated: 2023-12-03. Review status: criteria provided, single submitter. Criteria: Invitae Variant Classification Sherloc (09022015). Collection method: clinical testing. Allele origin: germline.
Comment: This sequence change replaces valine, which is neutral and non-polar, with methionine, which is neutral and non-polar, at codon 197 of the GNAT1 protein (p.Val197Met). This variant is present in population databases (rs751898545, gnomAD 0.006%). This variant has not been reported in the literature in individuals affected with GNAT1-related conditions. Advanced modeling of protein sequence and biophysical properties (such as structural, functional, and spatial information, amino acid conservation, physicochemical variation, residue mobility, and thermodynamic stability) performed at Invitae indicates that this missense variant is not expected to disrupt GNAT1 protein function with a negative predictive value of 80%. In summary, the available evidence is currently insufficient to determine the role of this variant in disease. Therefore, it has been classified as a Variant of Uncertain Significance.

Blueprint Genetics
Classification: Uncertain significance. Last evaluated: 2018-07-20. Review status: criteria provided, single submitter. Criteria: ACMG Guidelines, 2015. Collection method: clinical testing. Allele origin: germline.

NM_144499.3(GNAT1):c.589G>A (p.Val197Met)

Gene: GNAT1 (G protein subunit alpha transducin 1; plus strand). Cytogenetic location: 3p21.31.
Variant type: single nucleotide variant.
Coding change: c.589G>A on transcript NM_144499.3 (MANE Select); coding-DNA position 589, G replaced by A.
Protein change: p.Val197Met; replaces valine 197 with methionine.
Molecular consequence: missense variant.
Genome position (GRCh38, 1-based): chr3:50,194,102, G>A. VCF-style: chr3-50194102-G-A. GRCh37 (hg19) VCF-style: chr3-50231535-G-A.
Other names: c.589G>A, p.Val197Met (NM_000172.4); short protein forms V197M.
Identifiers: ClinVar variation 2781923 (VCV002781923.4), dbSNP rs751898545, ClinGen allele CA2412652.
Genomic context (GRCh38, chr3:50,194,102, plus strand): 5'-TGTTGCCTGTGGGGCCCGGGGCGCAGGTTCAGGCCCCCGCGGCCCCGCAGGATGTTCGAT[G>A]TGGGCGGGCAGCGCTCGGAGCGCAAGAAGTGGATCCACTGCTTCGAGGGCGTGACCTGCA-3'
Protein context (NP_653082.1, residues 187-207): FKDLNFRMFD[Val197Met]GGQRSERKKW